The following is an entry in ClinVar:

NM_138576.4(BCL11B):c.1943_1951dup (p.Ala650_Val651insGlyGlyAla)

Gene: BCL11B (BCL11 transcription factor B; minus strand). Cytogenetic location: 14q32.2.
Variant type: Duplication.
Coding change: c.1943_1951dup on transcript NM_138576.4 (MANE Select); coding-DNA positions 1943 to 1951, 9 bases duplicated (GCGGCGCGG; older notation c.1943_1951dupGCGGCGCGG).
Protein change: p.Ala650_Val651insGlyGlyAla.
Molecular consequence: inframe insertion.
Genome position (GRCh38, 1-based): chr14:99,174,885-99,174,893, CCGCGCCGC duplicated on the plus strand (GCGGCGCGG on the coding strand, the reverse complement: BCL11B is on the minus strand); duplicating any 9 consecutive bases within chr14:99,174,885-99,174,900 gives the same sequence; the c. name uses the placement nearest the transcript's 3' end. VCF-style (leftmost placement, unchanged base first): chr14-99174884-A-ACCGCGCCGC. GRCh37 (hg19) VCF-style: chr14-99641221-A-ACCGCGCCGC.
Other names: c.1940_1948dup, p.Ala649_Val650insGlyGlyAla (NM_001282237.2); c.1727_1735dup, p.Ala578_Val579insGlyGlyAla (NM_001282238.2); c.1730_1738dup, p.Ala579_Val580insGlyGlyAla (NM_022898.3).
Identifiers: ClinVar variation 2129694 (VCV002129694.4), dbSNP rs2503640494, ClinGen allele CA2580089063.

ClinVar aggregate classification (germline): Uncertain significance (1 of 4 stars; one submission).

Submission:

Labcorp Genetics (formerly Invitae), Labcorp
Classification: Uncertain significance. Last evaluated: 2024-06-08. Review status: criteria provided, single submitter. Criteria: Invitae Variant Classification Sherloc (09022015). Collection method: clinical testing. Allele origin: germline.
Comment: This variant, c.1943_1951dup, results in the insertion of 3 amino acid(s) of the BCL11B protein (p.Gly648_Ala650dup), but otherwise preserves the integrity of the reading frame. The frequency data for this variant in the population databases is considered unreliable, as metrics indicate insufficient coverage at this position in the gnomAD database. This variant has not been reported in the literature in individuals affected with BCL11B-related conditions. ClinVar contains an entry for this variant (Variation ID: 2129694). In summary, the available evidence is currently insufficient to determine the role of this variant in disease. Therefore, it has been classified as a Variant of Uncertain Significance.